The following is an entry in ClinVar:

ClinVar aggregate classification (germline): Uncertain significance (1 of 4 stars; one submission).

Allele frequency attached by ClinVar (database versions not stated): gnomAD 0.00002 and 0.00003; gnomAD exomes 0.00004 and 0.00007; ExAC 0.00005; TOPMed 0.00005; ESP Exome Variant Server 0.00015.
gnomAD v4.1: 104 of 1,613,482 alleles (0.0064%); highest among the groups gnomAD compares: Non-Finnish European, 0.0075%; no homozygotes.

Submission:

GeneDx
Classification: Uncertain significance. Last evaluated: 2022-01-28. Review status: criteria provided, single submitter. Criteria: GeneDx Variant Classification Process June 2021. Collection method: clinical testing. Allele origin: germline. Affected: yes.
Comment: In silico analysis supports that this missense variant has a deleterious effect on protein structure/function; Has not been previously published as pathogenic or benign to our knowledge

NM_001080442.3(SLC38A8):c.803C>T (p.Thr268Met)

Gene: SLC38A8 (solute carrier family 38 member 8; minus strand). Cytogenetic location: 16q23.3.
Variant type: single nucleotide variant.
Coding change: c.803C>T on transcript NM_001080442.3 (MANE Select); coding-DNA position 803, C replaced by T.
Protein change: p.Thr268Met; replaces threonine 268 with methionine.
Molecular consequence: missense variant.
Genome position (GRCh38, 1-based): chr16:84,022,777, G>A on the plus strand (C>T on the coding strand, the complement: SLC38A8 is on the minus strand). VCF-style: chr16-84022777-G-A. GRCh37 (hg19) VCF-style: chr16-84056382-G-A.
Other names: short protein forms T268M.
Identifiers: ClinVar variation 1700279 (VCV001700279.2), dbSNP rs140852462, ClinGen allele CA8200003.